The following is an entry in ClinVar:

NM_001267550.2(TTN):c.107701_107844del (p.Ala35901_Glu35948del)

Genes: TTN (titin; minus strand), TTN-AS1 (TTN antisense RNA 1; plus strand). Cytogenetic location: 2q31.2.
Variant type: Deletion.
Coding change: c.107701_107844del on transcript NM_001267550.2 (MANE Select); coding-DNA positions 107701 to 107844, 144 bases deleted.
Protein change: p.Ala35901_Glu35948del.
Molecular consequence: inframe deletion.
Genome position (GRCh38, 1-based): chr2:178,527,144-178,527,287, 144 bases deleted. GRCh37 (hg19): chr2:179,391,877-179,392,020.
Other names: c.102778_102921del, p.Ala34260_Glu34307del (NM_001256850.1); c.80506_80649del, p.Ala26836_Glu26883del (NM_003319.4); c.99997_100140del, p.Ala33333_Glu33380del (NM_133378.4); c.80881_81024del, p.Ala26961_Glu27008del (NM_133432.3); c.81082_81225del, p.Ala27028_Glu27075del (NM_133437.4).
Identifiers: ClinVar variation 1037495 (VCV001037495.9), dbSNP rs1686739585, ClinGen allele CA1310514322.

ClinVar aggregate classification (germline): Uncertain significance (1 of 4 stars; one submission).

Conditions:
Dilated cardiomyopathy 1G (CMD1G). Identifiers: Orphanet 154, MedGen C1858763, MONDO:0011400, OMIM 604145.
Autosomal recessive limb-girdle muscular dystrophy type 2J (LGMDR10). Also called: Limb-girdle muscular dystrophy, type 2J; MUSCULAR DYSTROPHY, LIMB-GIRDLE, AUTOSOMAL RECESSIVE 10. Identifiers: Orphanet 140922, MedGen C1837342, MONDO:0012127, OMIM 608807.

Submission:

Labcorp Genetics (formerly Invitae), Labcorp
Classification: Uncertain significance for Dilated cardiomyopathy 1G; Autosomal recessive limb-girdle muscular dystrophy type 2J. Last evaluated: 2025-06-23. Review status: criteria provided, single submitter. Criteria: Invitae Variant Classification Sherloc (09022015). Collection method: clinical testing. Allele origin: germline.
Comment: This variant, c.107701_107844del, results in the deletion of 48 amino acid(s) of the TTN protein (p.Ala35901_Glu35948del), but otherwise preserves the integrity of the reading frame. This variant is not present in population databases (gnomAD no frequency). This variant has been observed in individual(s) with clinical features of autosomal dominant TTN-related neuromuscular conditions and/or clinical features of autosomal recessive TTN-related neuromuscular conditions (internal data). ClinVar contains an entry for this variant (Variation ID: 1037495). Experimental studies and prediction algorithms are not available or were not evaluated, and the functional significance of this variant is currently unknown. This variant is located in the M band of TTN (PMID: 25589632). Non-truncating variants in this region may be relevant for neuromuscular disorders, but have not been definitively shown to cause cardiomyopathy (PMID: 23975875). This variant disrupts the p.Glu35927_Trp35930 amino acid residue in TTN. Other variant(s) that disrupt this residue have been determined to be pathogenic (PMID: 12145747, 15728284, 24395473). This suggests that this residue is clinically significant, and that variants that disrupt this residue are likely to be disease-causing. In summary, the available evidence is currently insufficient to determine the role of this variant in disease. Therefore, it has been classified as a Variant of Uncertain Significance.

Literature cited by the submitters: PubMed 25589632; PubMed 23975875; PubMed 12145747; PubMed 15728284; PubMed 24395473.